The following is an entry in ClinVar:

ClinVar aggregate classification (germline): Conflicting classifications of pathogenicity. Review status: criteria provided, conflicting classifications (1 of 4 stars). 3 submissions from 3 submitters: Uncertain significance (1); Benign (1); Likely benign (1). Last evaluated 2026-07-24.

Conditions:
Occult macular dystrophy (OCMD). Also called: OMD; OCCULT MACULAR DYSTROPHY, SUSCEPTIBILITY TO. Identifiers: Orphanet 247834, MedGen C3150833, MONDO:0013316, OMIM 613587, HP:0030636.
RP1L1-related disorder. Also called: RP1L1-related condition.

Allele frequency attached by ClinVar (database versions not stated): ExAC 0.00034; TOPMed 0.00065; ESP Exome Variant Server 0.00072.
gnomAD v4.1: 1,280 of 1,613,122 alleles (0.079%); highest among the groups gnomAD compares: Non-Finnish European, 0.095%; no homozygotes.

Submissions (3):

PreventionGenetics, part of Exact Sciences
Classification: Uncertain significance for RP1L1-related condition. Last evaluated: 2026-07-24. Review status: criteria provided, single submitter. Criteria: ACMG Guidelines, 2015. Collection method: clinical testing. Allele origin: germline.
Comment: The RP1L1 c.1811C>T variant is predicted to result in the amino acid substitution p.Ala604Val. To our knowledge, this variant has not been reported in the literature. This variant is reported in 0.084% of alleles in individuals of African descent in gnomAD, which may be too frequent to be a primary cause of disease. Although we suspect that this variant may be benign, at this time, the clinical significance of this variant is uncertain due to the absence of conclusive functional and genetic evidence.

Blueprint Genetics
Classification: Likely benign. Last evaluated: 2024-10-24. Review status: criteria provided, single submitter. Criteria: ACMG Guidelines, 2015. Collection method: clinical testing. Allele origin: germline.

Illumina Laboratory Services, Illumina
Classification: Benign for Occult macular dystrophy. Last evaluated: 2018-01-12. Review status: criteria provided, single submitter. Criteria: ICSL Variant Classification Criteria 13 December 2019. Collection method: clinical testing. Allele origin: germline.
Comment: This variant was observed in the ICSL laboratory as part of a predisposition screen in an ostensibly healthy population. It had not been previously curated by ICSL or reported in the Human Gene Mutation Database (HGMD: prior to June 1st, 2018), and was therefore a candidate for classification through an automated scoring system. Utilizing variant allele frequency, disease prevalence and penetrance estimates, and inheritance mode, an automated score was calculated to assess if this variant is too frequent to cause the disease. Based on the score and internal cut-off values, a variant classified as benign is not then subjected to further curation. The score for this variant resulted in a classification of benign for this disease.

NM_178857.6(RP1L1):c.1811C>T (p.Ala604Val)

Gene: RP1L1 (RP1 like 1). Cytogenetic location: 8p23.1.
Variant type: single nucleotide variant.
Coding change: c.1811C>T on transcript NM_178857.6 (MANE Select); coding-DNA position 1811, C replaced by T.
Protein change: p.Ala604Val; replaces alanine 604 with valine.
Molecular consequence: missense variant.
Genome position (GRCh38, 1-based): chr8:10,612,287, G>A on the plus strand (C>T on the coding strand, the complement: RP1L1 is on the minus strand). VCF-style: chr8-10612287-G-A. GRCh37 (hg19) VCF-style: chr8-10469797-G-A.
Other names: short protein forms A604V.
Identifiers: ClinVar variation 910417 (VCV000910417.6), dbSNP rs200118556, ClinGen allele CA4625049.
Genomic context (GRCh38, chr8:10,612,287, plus strand): 5'-GCTCCTTCCGAGTCCCAGGAGCAGGAAAGGCCCAGAACCAGAGGCTCCCTTGTCACAGCC[G>A]CTCCCGTGGCCTGCTCGGTGCCCTGTCCTTGCGTCTCTGCCTGCAGGTCGTCACTCCTTA-3'
Protein context (NP_849188.4, residues 594-614): QGQGTEQATG[Ala604Val]AVTREPLVLG